The following is an entry in ClinVar:

NM_001330078.2(NRXN1):c.143C>G (p.Ala48Gly)

Gene: NRXN1 (neurexin 1; minus strand). Cytogenetic location: 2p16.3.
Variant type: single nucleotide variant.
Coding change: c.143C>G on transcript NM_001330078.2 (MANE Select); coding-DNA position 143, C replaced by G.
Protein change: p.Ala48Gly; replaces alanine 48 with glycine.
Molecular consequence: missense variant.
Genome position (GRCh38, 1-based): chr2:51,028,131, G>C on the plus strand (C>G on the coding strand, the complement: NRXN1 is on the minus strand). VCF-style: chr2-51028131-G-C. GRCh37 (hg19) VCF-style: chr2-51255269-G-C.
Other names: p.Ala48Gly; c.143C>G, p.Ala48Gly (NM_001135659.3, NM_001330077.2, NM_001330079.2 and 15 more transcripts); c.143C>G (NM_001135659.2); short protein forms A48G.
Identifiers: ClinVar variation 940152 (VCV000940152.10), dbSNP rs1202743952, ClinGen allele CA346824613.
Genomic context (GRCh38, chr2:51,028,131, plus strand): 5'-AGCACGAGGCCGCGGGCGCTGCGAGTCTTGAGCTGGAAGCTCATCTCGCTCTCGCAGCAG[G>C]CGTTCCACTTGGGGAAGCGCGTCCATTGGCCCTCGGCGCCCGGAAACTCCAGCCCGCTGC-3'
Protein context (NP_001317007.1, residues 38-58): GQWTRFPKWN[Ala48Gly]CCESEMSFQL

ClinVar aggregate classification (germline): Uncertain significance. Review status: criteria provided, multiple submitters, no conflicts (2 of 4 stars). 2 submissions from 2 submitters: Uncertain significance (2). Last evaluated 2023-08-04.

Conditions:
Pitt-Hopkins-like syndrome 2 (PTHSL2). Identifiers: Orphanet 221150, Orphanet 600663, MedGen C3280479, MONDO:0013690, OMIM 614325.

Allele frequency attached by ClinVar (database versions not stated): TOPMed 0.00001.
gnomAD v4.1: 12 of 1,564,332 alleles (0.00077%); highest among the groups gnomAD compares: Non-Finnish European, 0.001%; no homozygotes.

Submissions (2):

Labcorp Genetics (formerly Invitae), Labcorp
Classification: Uncertain significance for Pitt-Hopkins-like syndrome 2. Last evaluated: 2023-08-04. Review status: criteria provided, single submitter. Criteria: Invitae Variant Classification Sherloc (09022015). Collection method: clinical testing. Allele origin: germline.
Comment: This sequence change replaces alanine, which is neutral and non-polar, with glycine, which is neutral and non-polar, at codon 48 of the NRXN1 protein (p.Ala48Gly). This variant is not present in population databases (gnomAD no frequency). This variant has not been reported in the literature in individuals affected with NRXN1-related conditions. ClinVar contains an entry for this variant (Variation ID: 940152). An algorithm developed to predict the effect of missense changes on protein structure and function (PolyPhen-2) suggests that this variant is likely to be tolerated. In summary, the available evidence is currently insufficient to determine the role of this variant in disease. Therefore, it has been classified as a Variant of Uncertain Significance.

Mayo Clinic Laboratories, Mayo Clinic
Classification: Uncertain significance. Last evaluated: 2023-06-14. Review status: criteria provided, single submitter. Criteria: ACMG Guidelines, 2015. Collection method: clinical testing. Allele origin: germline. Observed: 1 variant allele.
Comment: PM2_moderate